The following is an entry in ClinVar:

NM_000642.3(AGL):c.2022A>C (p.Glu674Asp)

Gene: AGL (amylo-alpha-1,6-glucosidase and 4-alpha-glucanotransferase; plus strand). Cytogenetic location: 1p21.2.
Variant type: single nucleotide variant.
Coding change: c.2022A>C on transcript NM_000642.3 (MANE Select); coding-DNA position 2022, A replaced by C.
Protein change: p.Glu674Asp; replaces glutamic acid 674 with aspartic acid.
Molecular consequence: missense variant.
Genome position (GRCh38, 1-based): chr1:99,881,312, A>C. VCF-style: chr1-99881312-A-C. GRCh37 (hg19) VCF-style: chr1-100346868-A-C.
Other names: c.2022A>C, p.Glu674Asp (NM_000028.3, NM_000643.3, NM_000644.3 and 2 more transcripts); c.1974A>C, p.Glu658Asp (NM_000646.3); c.1821A>C, p.Glu607Asp (NM_001425327.1); c.1818A>C, p.Glu606Asp (NM_001425328.1, NM_001425329.1); c.1644A>C, p.Glu548Asp (NM_001425332.1); short protein forms E674D, E658D, E548D, E606D, E607D.
Identifiers: ClinVar variation 2153065 (VCV002153065.1), dbSNP rs1329258484, ClinGen allele CA341318580.

ClinVar aggregate classification (germline): Uncertain significance (1 of 4 stars; one submission).

Conditions:
Glycogen storage disease type III (GSD3). Also called: FORBES DISEASE; Cori disease. Identifiers: Orphanet 366, MedGen C0017922, MONDO:0009291, OMIM 232400.

gnomAD v4.1: 8 of 1,613,982 alleles (0.0005%); highest among the groups gnomAD compares: Admixed American, 0.013%; no homozygotes.

Submission:

Labcorp Genetics (formerly Invitae), Labcorp
Classification: Uncertain significance for Glycogen storage disease type III. Last evaluated: 2022-06-01. Review status: criteria provided, single submitter. Criteria: Invitae Variant Classification Sherloc (09022015). Collection method: clinical testing. Allele origin: germline.
Comment: This sequence change replaces glutamic acid, which is acidic and polar, with aspartic acid, which is acidic and polar, at codon 674 of the AGL protein (p.Glu674Asp). This variant is present in population databases (no rsID available, gnomAD 0.01%). This variant has not been reported in the literature in individuals affected with AGL-related conditions. Algorithms developed to predict the effect of missense changes on protein structure and function (SIFT, PolyPhen-2, Align-GVGD) all suggest that this variant is likely to be tolerated. In summary, the available evidence is currently insufficient to determine the role of this variant in disease. Therefore, it has been classified as a Variant of Uncertain Significance.